The following is an entry in ClinVar:

NC_000016.9:g.(?_89839659)_(89845431_?)del

Gene: FANCA (FA complementation group A; minus strand). Cytogenetic location: 16q24.3.
Variant type: Deletion.
Identifiers: ClinVar variation 3243256 (VCV003243256.1).

ClinVar aggregate classification (germline): Pathogenic (1 of 4 stars; one submission).

Conditions:
Fanconi anemia (FA). Also called: Fanconi's anemia. Identifiers: Orphanet 84, MedGen C0015625, MeSH D005199, MONDO:0019391.

Submission:

Labcorp Genetics (formerly Invitae), Labcorp
Classification: Pathogenic for Fanconi anemia. Last evaluated: 2023-08-02. Review status: criteria provided, single submitter. Criteria: Invitae Variant Classification Sherloc (09022015). Collection method: clinical testing. Allele origin: unknown.
Comment: For these reasons, this variant has been classified as Pathogenic. This variant has not been reported in the literature in individuals affected with FANCA-related conditions. This variant is a gross deletion of the genomic region encompassing exon(s) 19-22 of the FANCA gene. This deletion is out-of-frame, and is expected to create a premature termination codon and result in an absent or disrupted protein product. Loss-of-function variants in FANCA are known to be pathogenic (PMID: 19367192).

Literature cited by the submitters: PubMed 19367192.